The following is an entry in ClinVar:

ClinVar aggregate classification (germline): Benign (1 of 4 stars; one submission).

Conditions:
Holoprosencephaly 11 (HPE11). Identifiers: Orphanet 2162, MedGen C3280215, MONDO:0013642, OMIM 614226.

Allele frequency attached by ClinVar (database versions not stated): TOPMed 0.00699; 1000 Genomes Project 0.00899; gnomAD 0.00658 and 0.00691; 1000 Genomes Project 30x 0.00906.

Submission:

Illumina Laboratory Services, Illumina
Classification: Benign for Holoprosencephaly 11. Last evaluated: 2018-01-12. Review status: criteria provided, single submitter. Criteria: ICSL Variant Classification Criteria 13 December 2019. Collection method: clinical testing. Allele origin: germline.
Comment: This variant was observed in the ICSL laboratory as part of a predisposition screen in an ostensibly healthy population. It had not been previously curated by ICSL or reported in the Human Gene Mutation Database (HGMD: prior to June 1st, 2018), and was therefore a candidate for classification through an automated scoring system. Utilizing variant allele frequency, disease prevalence and penetrance estimates, and inheritance mode, an automated score was calculated to assess if this variant is too frequent to cause the disease. Based on the score and internal cut-off values, a variant classified as benign is not then subjected to further curation. The score for this variant resulted in a classification of benign for this disease.

NM_001378964.1(CDON):c.*1671G>A

Gene: CDON (cell adhesion associated, oncogene regulated; minus strand). Cytogenetic location: 11q24.2.
Variant type: single nucleotide variant.
Coding change: c.*1671G>A on transcript NM_001378964.1 (MANE Select); 1671 bases downstream of the stop codon, G replaced by A.
Molecular consequence: 3 prime UTR variant.
Genome position (GRCh38, 1-based): chr11:125,959,271, C>T on the plus strand (G>A on the coding strand, the complement: CDON is on the minus strand). VCF-style: chr11-125959271-C-T. GRCh37 (hg19) VCF-style: chr11-125829166-C-T.
Other names: c.*1671G>A (NM_001243597.3, NM_016952.6).
Identifiers: ClinVar variation 880465 (VCV000880465.4), dbSNP rs7940762, ClinGen allele CA230550852.